The following is an entry in ClinVar:

ClinVar aggregate classification (germline): Uncertain significance (1 of 4 stars; one submission).

Conditions:
Pierpont syndrome (PRPTS). Identifiers: Orphanet 487825, MedGen C1865644, MONDO:0011213, OMIM 602342.

Allele frequency attached by ClinVar (database versions not stated): gnomAD exomes below 0.00001.
gnomAD v4.1: 1 of 1,575,390 alleles (0.000063%); highest among the groups gnomAD compares: Non-Finnish European, 0.000086%; no homozygotes.

Submission:

Labcorp Genetics (formerly Invitae), Labcorp
Classification: Uncertain significance for Pierpont syndrome. Last evaluated: 2022-11-11. Review status: criteria provided, single submitter. Criteria: Invitae Variant Classification Sherloc (09022015). Collection method: clinical testing. Allele origin: germline.
Comment: In summary, the available evidence is currently insufficient to determine the role of this variant in disease. Therefore, it has been classified as a Variant of Uncertain Significance. Algorithms developed to predict the effect of missense changes on protein structure and function (SIFT, PolyPhen-2, Align-GVGD) all suggest that this variant is likely to be tolerated. This variant has not been reported in the literature in individuals affected with TBL1XR1-related conditions. This variant is not present in population databases (gnomAD no frequency). This sequence change replaces threonine, which is neutral and polar, with alanine, which is neutral and non-polar, at codon 473 of the TBL1XR1 protein (p.Thr473Ala).

NM_024665.7(TBL1XR1):c.1417A>G (p.Thr473Ala)

Gene: TBL1XR1 (TBL1X/Y related 1; minus strand). Cytogenetic location: 3q26.32.
Variant type: single nucleotide variant.
Coding change: c.1417A>G on transcript NM_024665.7 (MANE Select); coding-DNA position 1417, A replaced by G.
Protein change: p.Thr473Ala; replaces threonine 473 with alanine.
Molecular consequence: missense variant.
Genome position (GRCh38, 1-based): chr3:177,026,474, T>C on the plus strand (A>G on the coding strand, the complement: TBL1XR1 is on the minus strand). VCF-style: chr3-177026474-T-C. GRCh37 (hg19) VCF-style: chr3-176744262-T-C.
Other names: c.1417A>G, p.Thr473Ala (NM_001321193.3, NM_001321194.3, NM_001374327.1 and 2 more transcripts); c.1156A>G, p.Thr386Ala (NM_001321195.3, NM_001374330.1); short protein forms T473A, T386A.
Identifiers: ClinVar variation 2106130 (VCV002106130.4), dbSNP rs2473553163, ClinGen allele CA355554158.